The following is an entry in ClinVar:

ClinVar aggregate classification (germline): Uncertain significance (1 of 4 stars; one submission).

Allele frequency attached by ClinVar (database versions not stated): gnomAD exomes 0.00001; TOPMed 0.00001.
gnomAD v4.1: 11 of 1,607,436 alleles (0.00068%); highest among the groups gnomAD compares: Admixed American, 0.0017%; no homozygotes.

Submission:

Labcorp Genetics (formerly Invitae), Labcorp
Classification: Uncertain significance. Last evaluated: 2025-07-29. Review status: criteria provided, single submitter. Criteria: Invitae Variant Classification Sherloc (09022015). Collection method: clinical testing. Allele origin: germline.
Comment: This sequence change replaces arginine, which is basic and polar, with glutamine, which is neutral and polar, at codon 442 of the ADGRA3 protein (p.Arg442Gln). This variant is present in population databases (rs758044902, gnomAD 0.003%). This variant has not been reported in the literature in individuals affected with ADGRA3-related conditions. ClinVar contains an entry for this variant (Variation ID: 1346228). An algorithm developed to predict the effect of missense changes on protein structure and function (PolyPhen-2) suggests that this variant is likely to be tolerated. In summary, the available evidence is currently insufficient to determine the role of this variant in disease. Therefore, it has been classified as a Variant of Uncertain Significance.

NM_145290.4(ADGRA3):c.1325G>A (p.Arg442Gln)

Gene: ADGRA3 (adhesion G protein-coupled receptor A3; minus strand). Cytogenetic location: 4p15.2.
Variant type: single nucleotide variant.
Coding change: c.1325G>A on transcript NM_145290.4 (MANE Select); coding-DNA position 1325, G replaced by A.
Protein change: p.Arg442Gln; replaces arginine 442 with glutamine.
Molecular consequence: missense variant.
Genome position (GRCh38, 1-based): chr4:22,435,429, C>T on the plus strand (G>A on the coding strand, the complement: ADGRA3 is on the minus strand). VCF-style: chr4-22435429-C-T. GRCh37 (hg19) VCF-style: chr4-22437052-C-T.
Other names: short protein forms R442Q.
Identifiers: ClinVar variation 1346228 (VCV001346228.6), dbSNP rs758044902, ClinGen allele CA2873984.
Genomic context (GRCh38, chr4:22,435,429, plus strand): 5'-AATATAACATCCATTTTGTCAGAAAAGTTGGCTGCTTCCACAGTGTAAGCCAGTAACTGT[C>T]GAGCTGTTGCCACGGCATTGGTAAGATTGAGGGGCATCTACATTTCAAAGGCAAAAATGA-3'
Protein context (NP_660333.2, residues 432-452): LNLTNAVATA[Arg442Gln]QLLAYTVEAA